The following is an entry in ClinVar:

ClinVar aggregate classification (germline): Uncertain significance. Review status: criteria provided, multiple submitters, no conflicts (2 of 4 stars). 2 submissions from 2 submitters: Uncertain significance (2). Last evaluated 2025-04-14.

Conditions:
Hereditary cancer-predisposing syndrome. Also called: Hereditary Cancer Syndrome; Hereditary neoplastic syndrome; Neoplastic Syndromes, Hereditary; Tumor predisposition. Identifiers: Orphanet 140162, MedGen C0027672, MeSH D009386, MONDO:0015356.
Juvenile polyposis syndrome (JPS). Identifiers: Orphanet 2929, MedGen C0345893, MONDO:0017380, OMIM 174900.

Submissions (2):

Ambry Genetics
Classification: Uncertain significance for Hereditary cancer-predisposing syndrome. Last evaluated: 2025-04-14. Review status: criteria provided, single submitter. Criteria: Ambry Variant Classification Scheme 2023. Collection method: clinical testing. Allele origin: germline.
Comment: The c.231-3T>C intronic variant results from a T to C substitution 3 nucleotides upstream from coding exon 3 in the BMPR1A gene. This nucleotide position is not well conserved in available vertebrate species. In silico splice site analysis predicts that this alteration will not have any significant effect on splicing. Based on the available evidence, the clinical significance of this variant remains unclear.

Labcorp Genetics (formerly Invitae), Labcorp
Classification: Uncertain significance for Juvenile polyposis syndrome. Last evaluated: 2023-08-08. Review status: criteria provided, single submitter. Criteria: Invitae Variant Classification Sherloc (09022015). Collection method: clinical testing. Allele origin: germline.
Comment: This sequence change falls in intron 4 of the BMPR1A gene. It does not directly change the encoded amino acid sequence of the BMPR1A protein. It affects a nucleotide within the consensus splice site. This variant is not present in population databases (gnomAD no frequency). This variant has not been reported in the literature in individuals affected with BMPR1A-related conditions. Variants that disrupt the consensus splice site are a relatively common cause of aberrant splicing (PMID: 17576681, 9536098). Algorithms developed to predict the effect of sequence changes on RNA splicing suggest that this variant is not likely to affect RNA splicing. In summary, the available evidence is currently insufficient to determine the role of this variant in disease. Therefore, it has been classified as a Variant of Uncertain Significance.

Literature cited by the submitters: PubMed 17576681 (cited by Labcorp Genetics (formerly Invitae), Labcorp); PubMed 9536098 (cited by Labcorp Genetics (formerly Invitae), Labcorp).

NM_004329.3(BMPR1A):c.231-3T>C

Gene: BMPR1A (bone morphogenetic protein receptor type 1A; plus strand). Cytogenetic location: 10q23.2.
Variant type: single nucleotide variant.
Coding change: c.231-3T>C on transcript NM_004329.3 (MANE Select); 3 bases into the intron before coding-DNA position 231, T replaced by C.
Molecular consequence: intron variant.
Genome position (GRCh38, 1-based): chr10:86,892,124, T>C. VCF-style: chr10-86892124-T-C. GRCh37 (hg19) VCF-style: chr10-88651881-T-C.
Other names: c.231-3T>C (NM_001406561.1, NM_001406579.1, NM_001406569.1 and 24 more transcripts); c.147-3T>C (NM_001406584.1, NM_001406588.1, NM_001406587.1 and 2 more transcripts).
Identifiers: ClinVar variation 2994203 (VCV002994203.4), dbSNP rs2539444820, ClinGen allele CA2740093469.